The following is an entry in ClinVar:

NM_005027.4(PIK3R2):c.621G>C (p.Pro207=)

Genes: PIK3R2 (phosphoinositide-3-kinase regulatory subunit 2; plus strand), LOC130063979 (ATAC-STARR-seq lymphoblastoid silent region 10375; plus strand). Cytogenetic location: 19p13.11.
Variant type: single nucleotide variant.
Coding change: c.621G>C on transcript NM_005027.4 (MANE Select); coding-DNA position 621, G replaced by C.
Protein change: p.Pro207=; no amino-acid change (proline 207 retained).
Molecular consequence: synonymous variant. On other transcripts: non-coding transcript variant (1).
Genome position (GRCh38, 1-based): chr19:18,161,301, G>C. VCF-style: chr19-18161301-G-C. GRCh37 (hg19) VCF-style: chr19-18272111-G-C.
Identifiers: ClinVar variation 3046783 (VCV003046783.2), dbSNP rs1475534694, ClinGen allele CA506108577.

ClinVar aggregate classification (germline): Likely benign (0 of 4 stars; one submission).

Conditions:
PIK3R2-related disorder. Also called: PIK3R2-related condition.

Submission:

PreventionGenetics, part of Exact Sciences
Classification: Likely benign for PIK3R2-related condition. Last evaluated: 2020-11-13. Review status: no assertion criteria provided. Collection method: clinical testing. Allele origin: germline.
Comment: This variant is classified as likely benign based on ACMG/AMP sequence variant interpretation guidelines (Richards et al. 2015 PMID: 25741868, with internal and published modifications).